The following is an entry in ClinVar:

NM_001110556.2(FLNA):c.942A>G (p.Gly314=)

Gene: FLNA (filamin A; minus strand). Cytogenetic location: Xq28.
Variant type: single nucleotide variant.
Coding change: c.942A>G on transcript NM_001110556.2 (MANE Select); coding-DNA position 942, A replaced by G.
Protein change: p.Gly314=; no amino-acid change (glycine 314 retained).
Molecular consequence: synonymous variant.
Genome position (GRCh38, 1-based): chrX:154,366,777, T>C on the plus strand (A>G on the coding strand, the complement: FLNA is on the minus strand). VCF-style: chrX-154366777-T-C. GRCh37 (hg19) VCF-style: chrX-153595145-T-C.
Other names: p.G314G:GGA>GGG; p.Gly314=; c.942A>G (NM_001110556.1); c.942A>G, p.Gly314= (NM_001456.4).
Identifiers: ClinVar variation 213458 (VCV000213458.30), dbSNP rs200763980, ClinGen allele CA322349.

ClinVar aggregate classification (germline): Benign/Likely benign. Review status: criteria provided, multiple submitters, no conflicts (2 of 4 stars). 8 submissions from 8 submitters: Benign (5); Likely benign (2). 1 of the submissions does not count toward it. Last evaluated 2026-01-31.

Conditions:
Oto-palato-digital syndrome, type II (OPD2). Also called: FACIOPALATOOSSEOUS SYNDROME; Otopalatodigital Syndrome, Type II; Otopalatodigital Syndrome Type 2 (FLNA-OPD2); OPD II SYNDROME. Identifiers: Orphanet 669, Orphanet 90652, MedGen C1844696, MONDO:0010571, OMIM 304120.
Heterotopia, periventricular, X-linked dominant (PVNH1). Also called: X-linked periventricular heterotopia; PERIVENTRICULAR NODULAR HETEROTOPIA 1; PERIVENTRICULAR NODULAR HETEROTOPIA 4; HETEROTOPIA, PERIVENTRICULAR, 1. Identifiers: Orphanet 2149, Orphanet 82004, MedGen C1848213, MONDO:0010233, OMIM 300049.
Frontometaphyseal dysplasia (FMD1). Identifiers: Orphanet 1826, MedGen C0265293, MONDO:0015942.
Melnick-Needles syndrome (MNS). Also called: Melnick-Needles Syndrome (FLNA-MNS); MELNICK-NEEDLES OSTEODYSPLASTY; OSTEODYSPLASTY OF MELNICK AND NEEDLES. Identifiers: Orphanet 2484, MedGen C0025237, MONDO:0010650, OMIM 309350.
FLNA-related disorder.
Familial thoracic aortic aneurysm and aortic dissection (TAAD). Also called: Thoracic aortic aneurysms and dissections. Identifiers: Orphanet 91387, MedGen C4707243, MONDO:0019625.

Allele frequency attached by ClinVar (database versions not stated): ExAC 0.00035; gnomAD exomes 0.00035 and 0.00014; 1000 Genomes Project 0.00053; 1000 Genomes Project 30x 0.00062; ESP Exome Variant Server 0.00088; gnomAD 0.00128 and 0.00138; TOPMed 0.00175.
gnomAD v4.1: 308 of 1,210,149 alleles (0.025%); highest among the groups gnomAD compares: African/African-American, 0.48%; no homozygotes.

Submissions (8):

Labcorp Genetics (formerly Invitae), Labcorp
Classification: Benign for Oto-palato-digital syndrome, type II; Heterotopia, periventricular, X-linked dominant; Frontometaphyseal dysplasia; Melnick-Needles syndrome. Last evaluated: 2026-01-31. Review status: criteria provided, single submitter. Criteria: Invitae Variant Classification Sherloc (09022015). Collection method: clinical testing. Allele origin: germline.

Blueprint Genetics
Classification: Likely benign. Last evaluated: 2024-06-27. Review status: criteria provided, single submitter. Criteria: ACMG Guidelines, 2015. Collection method: clinical testing. Allele origin: germline.

Mayo Clinic Laboratories, Mayo Clinic
Classification: Benign. Last evaluated: 2023-09-07. Review status: criteria provided, single submitter. Criteria: ACMG Guidelines, 2015. Collection method: clinical testing. Allele origin: germline. Observed: 4 variant alleles.
Comment: BS1, BS2, BP4, BP7

Women's Health and Genetics/Laboratory Corporation of America, LabCorp
Classification: Benign. Last evaluated: 2023-07-21. Review status: criteria provided, single submitter. Criteria: LabCorp Variant Classification Summary - May 2015. Collection method: clinical testing. Allele origin: germline.

ARUP Laboratories, Molecular Genetics and Genomics, ARUP Laboratories
Classification: Benign. Last evaluated: 2020-12-16. Review status: criteria provided, single submitter. Criteria: ARUP Molecular Germline Variant Investigation Process 2021. Collection method: clinical testing. Allele origin: germline.

Ambry Genetics
Classification: Likely benign for Familial thoracic aortic aneurysm and aortic dissection. Last evaluated: 2016-05-06. Review status: criteria provided, single submitter. Criteria: Ambry Variant Classification Scheme 2023. Collection method: clinical testing. Allele origin: germline.

GeneDx
Classification: Benign. Last evaluated: 2014-09-18. Review status: criteria provided, single submitter. Criteria: GeneDx Variant Classification (06012015). Collection method: clinical testing. Allele origin: germline. Affected: yes.
Comment: This variant is considered likely benign or benign based on one or more of the following criteria: it is a conservative change, it occurs at a poorly conserved position in the protein, it is predicted to be benign by multiple in silico algorithms, and/or has population frequency not consistent with disease.

PreventionGenetics, part of Exact Sciences
Classification: Benign for FLNA-related condition. Last evaluated: 2019-03-27. Review status: no assertion criteria provided. Collection method: clinical testing. Allele origin: germline. Not counted in ClinVar's aggregate classification.
Comment: This variant is classified as benign based on ACMG/AMP sequence variant interpretation guidelines (Richards et al. 2015 PMID: 25741868, with internal and published modifications).